The following is an entry in ClinVar:

NM_015272.5(RPGRIP1L):c.1081A>G (p.Asn361Asp)

Gene: RPGRIP1L (RPGRIP1 like; minus strand). Cytogenetic location: 16q12.2.
Variant type: single nucleotide variant.
Coding change: c.1081A>G on transcript NM_015272.5 (MANE Select); coding-DNA position 1081, A replaced by G.
Protein change: p.Asn361Asp; replaces asparagine 361 with aspartic acid.
Molecular consequence: missense variant.
Genome position (GRCh38, 1-based): chr16:53,671,532, T>C on the plus strand (A>G on the coding strand, the complement: RPGRIP1L is on the minus strand). VCF-style: chr16-53671532-T-C. GRCh37 (hg19) VCF-style: chr16-53705444-T-C.
Other names: c.1081A>G (NM_015272.2, NM_015272.4); c.1081A>G, p.Asn361Asp (NM_001127897.4, NM_001308334.3, NM_001330538.2); short protein forms N361D.
Identifiers: ClinVar variation 1430476 (VCV001430476.16), dbSNP rs376720589, ClinGen allele CA8057931.
Genomic context (GRCh38, chr16:53,671,532, plus strand): 5'-AACAAGACAATGAAAGAACACATGGAATCACGATTTACCTGTCATAAAGTTTATCATAGT[T>C]TTCCTTTAAAAGTTCCCGTTCCTTTTCTAAATCATTAATTCTATCCTGCAGCTAAAATGA-3'
Protein context (NP_056087.2, residues 351-371): LEKERELLKE[Asn361Asp]YDKLYDSAFS

ClinVar aggregate classification (germline): Uncertain significance. Review status: criteria provided, multiple submitters, no conflicts (2 of 4 stars). 6 submissions from 6 submitters: Uncertain significance (6). Last evaluated 2026-05-15.

Conditions:
Inborn genetic diseases. Identifiers: MedGen C0950123, MeSH D030342.
Joubert syndrome 7 (JBTS7). Identifiers: Orphanet 220497, MedGen C1969053, MONDO:0012694, OMIM 611560.
COACH syndrome 3. Identifiers: MedGen C5436841, MONDO:0030862, OMIM 619113.
Meckel syndrome, type 5 (MKS5). Identifiers: Orphanet 564, MedGen C1969052, MONDO:0012695, OMIM 611561.
Meckel-Gruber syndrome. Also called: DYSENCEPHALIA SPLANCHNOCYSTICA; GRUBER SYNDROME; Dysencephalia splachnocystica. Identifiers: Orphanet 564, MedGen C0265215, MONDO:0018921.
Joubert syndrome. Also called: JOUBERT-BOLTSHAUSER SYNDROME; Familial aplasia of the vermis. Identifiers: Orphanet 475, MedGen C5979921, MONDO:0018772.
RPGRIP1L-related disorder. Also called: RPGRIP1L-related condition; RPGRIP1L-related disorders. Identifiers: MedGen CN239416.

Allele frequency attached by ClinVar (database versions not stated): gnomAD 0.00010 and 0.00011; gnomAD exomes 0.00001 and 0.00003; ExAC 0.00004; ESP Exome Variant Server 0.00008; TOPMed 0.00009.

Submissions (6):

PreventionGenetics, part of Exact Sciences
Classification: Uncertain significance for RPGRIP1L-related condition. Last evaluated: 2026-05-15. Review status: criteria provided, single submitter. Criteria: ACMG Guidelines, 2015. Collection method: clinical testing. Allele origin: germline.
Comment: The RPGRIP1L c.1081A>G variant is predicted to result in the amino acid substitution p.Asn361Asp. To our knowledge, this variant has not been reported in the literature. This variant is reported in 0.060% of alleles in individuals of African descent in gnomAD, which is likely too common for an undocumented disease-causing variant. Although we suspect that this variant may be benign, at this time, the clinical significance of this variant is uncertain due to the absence of conclusive functional and genetic evidence.

GeneDx
Classification: Uncertain significance. Last evaluated: 2026-04-23. Review status: criteria provided, single submitter. Criteria: GeneDx Variant Classification Process June 2021. Collection method: clinical testing. Allele origin: germline.
Comment: Not observed at significant frequency in large population cohorts (gnomAD); In silico analysis supports that this missense variant has a deleterious effect on protein structure/function; Has not been previously published as pathogenic or benign to our knowledge

Ambry Genetics
Classification: Uncertain significance for Inborn genetic diseases. Last evaluated: 2024-12-12. Review status: criteria provided, single submitter. Criteria: Ambry Variant Classification Scheme 2023. Collection method: clinical testing. Allele origin: germline.

Labcorp Genetics (formerly Invitae), Labcorp
Classification: Uncertain significance for Joubert syndrome; Meckel-Gruber syndrome. Last evaluated: 2024-05-06. Review status: criteria provided, single submitter. Criteria: Invitae Variant Classification Sherloc (09022015). Collection method: clinical testing. Allele origin: germline.
Comment: This sequence change replaces asparagine, which is neutral and polar, with aspartic acid, which is acidic and polar, at codon 361 of the RPGRIP1L protein (p.Asn361Asp). This variant is present in population databases (rs376720589, gnomAD 0.06%). This variant has not been reported in the literature in individuals affected with RPGRIP1L-related conditions. ClinVar contains an entry for this variant (Variation ID: 1430476). Advanced modeling of protein sequence and biophysical properties (such as structural, functional, and spatial information, amino acid conservation, physicochemical variation, residue mobility, and thermodynamic stability) performed at Invitae indicates that this missense variant is not expected to disrupt RPGRIP1L protein function with a negative predictive value of 80%. In summary, the available evidence is currently insufficient to determine the role of this variant in disease. Therefore, it has been classified as a Variant of Uncertain Significance.

Fulgent Genetics
Classification: Uncertain significance for Joubert syndrome 7; Meckel syndrome, type 5; COACH syndrome 3. Last evaluated: 2022-03-09. Review status: criteria provided, single submitter. Criteria: ACMG Guidelines, 2015. Collection method: clinical testing. Allele origin: unknown.

Revvity Omics, Revvity
Classification: Uncertain significance. Last evaluated: 2020-10-02. Review status: criteria provided, single submitter. Criteria: ACMG Guidelines, 2015. Collection method: clinical testing. Allele origin: germline.